The following is an entry in ClinVar:

ClinVar aggregate classification (germline): Uncertain significance (1 of 4 stars; one submission).

Conditions:
COG5-congenital disorder of glycosylation. Also called: CDG IIi; COG5-CDG; CONGENITAL DISORDER OF GLYCOSYLATION, TYPE IIi. Identifiers: Orphanet 263487, MedGen C3150876, MONDO:0013325, OMIM 613612.

Allele frequency attached by ClinVar (database versions not stated): gnomAD exomes below 0.00001; TOPMed below 0.00001; gnomAD 0.00001.
gnomAD v4.1: 6 of 1,610,224 alleles (0.00037%); highest among the groups gnomAD compares: Non-Finnish European, 0.00051%; no homozygotes.

Submission:

Labcorp Genetics (formerly Invitae), Labcorp
Classification: Uncertain significance for COG5-congenital disorder of glycosylation. Last evaluated: 2024-10-17. Review status: criteria provided, single submitter. Criteria: Invitae Variant Classification Sherloc (09022015). Collection method: clinical testing. Allele origin: germline.
Comment: This sequence change falls in intron 4 of the COG5 gene. It does not directly change the encoded amino acid sequence of the COG5 protein. It affects a nucleotide within the consensus splice site. This variant is present in population databases (no rsID available, gnomAD 0.007%). This variant has not been reported in the literature in individuals affected with COG5-related conditions. ClinVar contains an entry for this variant (Variation ID: 2415020). Variants that disrupt the consensus splice site are a relatively common cause of aberrant splicing (PMID: 17576681, 9536098). Algorithms developed to predict the effect of sequence changes on RNA splicing suggest that this variant is not likely to affect RNA splicing. In summary, the available evidence is currently insufficient to determine the role of this variant in disease. Therefore, it has been classified as a Variant of Uncertain Significance.

Literature cited by the submitters: PubMed 17576681; PubMed 9536098.

NM_006348.5(COG5):c.347+6G>A

Gene: COG5 (component of oligomeric golgi complex 5; minus strand). Cytogenetic location: 7q22.3.
Variant type: single nucleotide variant.
Coding change: c.347+6G>A on transcript NM_006348.5 (MANE Select); 6 bases into the intron after coding-DNA position 347, G replaced by A.
Molecular consequence: intron variant.
Genome position (GRCh38, 1-based): chr7:107,548,272, C>T on the plus strand (G>A on the coding strand, the complement: COG5 is on the minus strand). VCF-style: chr7-107548272-C-T. GRCh37 (hg19) VCF-style: chr7-107188717-C-T.
Other names: c.234+9704G>A (NM_001379516.1); c.347+6G>A (NM_001379515.1, NM_001379511.1, NM_001379512.1 and 4 more transcripts).
Identifiers: ClinVar variation 2415020 (VCV002415020.6), dbSNP rs1313741991, ClinGen allele CA577015829.